The following is an entry in ClinVar:

ClinVar aggregate classification (germline): Uncertain significance (1 of 4 stars; one submission).

Submission:

CeGaT Center for Human Genetics Tuebingen
Classification: Uncertain significance. Last evaluated: 2026-03-01. Review status: criteria provided, single submitter. Criteria: CeGaT Center For Human Genetics Tuebingen Variant Classification Criteria Version 2. Collection method: clinical testing. Allele origin: germline. Affected: yes. Observed: 1 variant allele.
Comment: KMT2C: PM2, BP4

NM_170606.3(KMT2C):c.6166C>A (p.Pro2056Thr)

Gene: KMT2C (lysine methyltransferase 2C; minus strand). Cytogenetic location: 7q36.1.
Variant type: single nucleotide variant.
Coding change: c.6166C>A on transcript NM_170606.3 (MANE Select); coding-DNA position 6166, C replaced by A.
Protein change: p.Pro2056Thr; replaces proline 2056 with threonine.
Molecular consequence: missense variant.
Genome position (GRCh38, 1-based): chr7:152,181,694, G>T on the plus strand (C>A on the coding strand, the complement: KMT2C is on the minus strand). VCF-style: chr7-152181694-G-T. GRCh37 (hg19) VCF-style: chr7-151878779-G-T.
Other names: short protein forms P2056T.
Identifiers: ClinVar variation 4823672 (VCV004823672.4).
Genomic context (GRCh38, chr7:152,181,694, plus strand): 5'-CAGGCCTTTCATAAGGGTCAACAGACAATCGCCTTGATGCCTGTGACACTGATCCATAAG[G>T]ATCCTGAGAGGATGGAGGAGGTTGCATTGGAGTCTTAAAAGGTCCAGGACCACTATCAAG-3'
Protein context (NP_733751.2, residues 2046-2066): PMQPPPSSQD[Pro2056Thr]YGSVSQASRR